The following is an entry in ClinVar:

ClinVar aggregate classification (germline): Uncertain significance. Review status: criteria provided, multiple submitters, no conflicts (2 of 4 stars). 2 submissions from 2 submitters: Uncertain significance (2). Last evaluated 2022-10-17.

Conditions:
Sucrase-isomaltase deficiency (CSID). Also called: Deficiency of isomaltase; SI DEFICIENCY; Congenital sucrose isomaltose malabsorption; Sucrose isomaltose enzyme deficiency. Identifiers: Orphanet 35122, MedGen C1283620, MONDO:0009114, OMIM 222900.

Allele frequency attached by ClinVar (database versions not stated): ExAC 0.00002; gnomAD 0.00003; TOPMed 0.00006.
gnomAD v4.1: 19 of 1,610,730 alleles (0.0012%); highest among the groups gnomAD compares: Admixed American, 0.005%; no homozygotes.

Submissions (2):

Labcorp Genetics (formerly Invitae), Labcorp
Classification: Uncertain significance. Last evaluated: 2022-10-17. Review status: criteria provided, single submitter. Criteria: Invitae Variant Classification Sherloc (09022015). Collection method: clinical testing. Allele origin: germline.
Comment: This sequence change replaces isoleucine, which is neutral and non-polar, with threonine, which is neutral and polar, at codon 1343 of the SI protein (p.Ile1343Thr). This variant is present in population databases (rs779805310, gnomAD 0.007%). This variant has not been reported in the literature in individuals affected with SI-related conditions. ClinVar contains an entry for this variant (Variation ID: 1427811). Advanced modeling of protein sequence and biophysical properties (such as structural, functional, and spatial information, amino acid conservation, physicochemical variation, residue mobility, and thermodynamic stability) has been performed at Invitae for this missense variant, however the output from this modeling did not meet the statistical confidence thresholds required to predict the impact of this variant on SI protein function. In summary, the available evidence is currently insufficient to determine the role of this variant in disease. Therefore, it has been classified as a Variant of Uncertain Significance.

Fulgent Genetics
Classification: Uncertain significance for Sucrase-isomaltase deficiency. Last evaluated: 2022-03-04. Review status: criteria provided, single submitter. Criteria: ACMG Guidelines, 2015. Collection method: clinical testing. Allele origin: unknown.

NM_001041.4(SI):c.4028T>C (p.Ile1343Thr)

Gene: SI (sucrase-isomaltase; minus strand). Cytogenetic location: 3q26.1.
Variant type: single nucleotide variant.
Coding change: c.4028T>C on transcript NM_001041.4 (MANE Select); coding-DNA position 4028, T replaced by C.
Protein change: p.Ile1343Thr; replaces isoleucine 1343 with threonine.
Molecular consequence: missense variant.
Genome position (GRCh38, 1-based): chr3:165,013,014, A>G on the plus strand (T>C on the coding strand, the complement: SI is on the minus strand). VCF-style: chr3-165013014-A-G. GRCh37 (hg19) VCF-style: chr3-164730802-A-G.
Other names: short protein forms I1343T.
Identifiers: ClinVar variation 1427811 (VCV001427811.5), dbSNP rs779805310, ClinGen allele CA2690050.
Genomic context (GRCh38, chr3:165,013,014, plus strand): 5'-GTATAGTTAGCCCGTGTAAAACTTACATTAACAGCTTCATCTTCCGTTAGAGTTTTATCT[A>G]TTGTTATGTTGGGCAAATCTGGCCAAACCTACAAGAGACAAGACATGGAAAAGCTGATCA-3'
Protein context (NP_001032.2, residues 1333-1353): KVWPDLPNIT[Ile1343Thr]DKTLTEDEAV